The following is an entry in ClinVar:

ClinVar aggregate classification (germline): Pathogenic (1 of 4 stars; one submission).

Submission:

Labcorp Genetics (formerly Invitae), Labcorp
Classification: Pathogenic. Last evaluated: 2022-07-15. Review status: criteria provided, single submitter. Criteria: Invitae Variant Classification Sherloc (09022015). Collection method: clinical testing. Allele origin: germline.
Comment: This sequence change creates a premature translational stop signal (p.Ile1490Lysfs*22) in the PCDH15 gene. While this is not anticipated to result in nonsense mediated decay, it is expected to disrupt the last 466 amino acid(s) of the PCDH15 protein. This variant is not present in population databases (gnomAD no frequency). This variant has not been reported in the literature in individuals affected with PCDH15-related conditions. This variant disrupts a region of the PCDH15 protein in which other variant(s) (p.Val1578Alafs*6) have been determined to be pathogenic (PMID: 33089500; Invitae). This suggests that this is a clinically significant region of the protein, and that variants that disrupt it are likely to be disease-causing. For these reasons, this variant has been classified as Pathogenic.

Literature cited by the submitters: PubMed 33089500.

NM_033056.4(PCDH15):c.4408_4468dup (p.Ile1490fs)

Gene: PCDH15 (protocadherin related 15; minus strand). Cytogenetic location: 10q21.1.
Variant type: Duplication.
Coding change: c.4408_4468dup on transcript NM_033056.4 (MANE Plus Clinical); coding-DNA positions 4408 to 4468, 61 bases duplicated.
Protein change: p.Ile1490fs; shifts the reading frame from isoleucine 1490.
Molecular consequence: frameshift variant. On other transcripts: intron variant (8).
Genome position (GRCh38, 1-based): chr10:53,823,258-53,823,318, 61 bases duplicated. GRCh37 (hg19): chr10:55,583,018-55,583,078.
Other names: c.4429_4489dup, p.Ile1497fs (NM_001142763.2); c.4414_4474dup, p.Ile1492fs (NM_001142764.2); c.4201_4261dup, p.Ile1421fs (NM_001142765.2); c.4399_4459dup, p.Ile1487fs (NM_001142766.2); c.4288_4348dup, p.Ile1450fs (NM_001142767.2); c.4348_4408dup, p.Ile1470fs (NM_001142768.2); c.4339_4399dup, p.Ile1467fs (NM_001142773.2); c.4342_4402dup, p.Ile1468fs (NM_001354404.2); and 6 more; short protein forms I1467fs, I1468fs, I1470fs, I1487fs, I1490fs, I1497fs, I1450fs, I1421fs.
Identifiers: ClinVar variation 1968063 (VCV001968063.5), dbSNP rs2492414097, ClinGen allele CA2580081674.